The following is an entry in ClinVar:

NM_016333.4(SRRM2):c.7857CTC[5] (p.Ser2647_Ser2648del)

Gene: SRRM2 (serine/arginine repetitive matrix 2; plus strand). Cytogenetic location: 16p13.3.
Variant type: Microsatellite.
Coding change: c.7857CTC[5] on transcript NM_016333.4 (MANE Select); five copies in a row of the 3-base unit CTC starting at c.7857; the reference has seven copies in a row; two copies, 6 bases deleted.
Protein change: p.Ser2647_Ser2648del.
Molecular consequence: inframe deletion.
Genome position (GRCh38, 1-based): chr16:2,769,135-2,769,140, CTCCTC deleted; deleting any 6 consecutive bases within chr16:2,769,118-2,769,140 gives the same sequence; the position shown is the placement nearest the transcript's 3' end. VCF-style (leftmost placement, unchanged base first): chr16-2769117-TTCCTCC-T. GRCh37 (hg19) VCF-style: chr16-2819118-TTCCTCC-T.
Identifiers: ClinVar variation 3905050 (VCV003905050.10).

ClinVar aggregate classification (germline): Likely benign (1 of 4 stars; one submission).

Submission:

CeGaT Center for Human Genetics Tuebingen
Classification: Likely benign. Last evaluated: 2025-05-01. Review status: criteria provided, single submitter. Criteria: CeGaT Center For Human Genetics Tuebingen Variant Classification Criteria Version 2. Collection method: clinical testing. Allele origin: germline. Affected: yes. Observed: 1 variant allele.
Comment: SRRM2: BS2